The following is an entry in ClinVar:

NM_152564.5(VPS13B):c.2048A>G (p.Gln683Arg)

Gene: VPS13B (vacuolar protein sorting 13 homolog B; plus strand). Cytogenetic location: 8q22.2.
Variant type: single nucleotide variant.
Coding change: c.2048A>G on transcript NM_152564.5 (MANE Select); coding-DNA position 2048, A replaced by G.
Protein change: p.Gln683Arg; replaces glutamine 683 with arginine.
Molecular consequence: missense variant.
Genome position (GRCh38, 1-based): chr8:99,156,583, A>G. VCF-style: chr8-99156583-A-G. GRCh37 (hg19) VCF-style: chr8-100168811-A-G.
Other names: c.2048A>G, p.Gln683Arg (NM_015243.3, NM_017890.5); c.2048A>G (NM_152564.4); short protein forms Q683R.
Identifiers: ClinVar variation 588752 (VCV000588752.20), dbSNP rs372585253, ClinGen allele CA4822821.
Genomic context (GRCh38, chr8:99,156,583, plus strand): 5'-ATAAAGCGAACACTATTATTTTCTAGAACTCAAGTAACTTCATGAATACTACAAACTTCC[A>G]GTCTCTTCGGCCTTTGCCATCCATTCGAATATTGGTGGATAAAATTAATCTGGAACATTC-3'
Protein context (NP_689777.3, residues 673-693): SSNFMNTTNF[Gln683Arg]SLRPLPSIRI

ClinVar aggregate classification (germline): Uncertain significance. Review status: criteria provided, multiple submitters, no conflicts (2 of 4 stars). 5 submissions from 5 submitters: Uncertain significance (4). 1 of the submissions does not count toward it. Last evaluated 2026-04-30.

Conditions:
Cohen syndrome (COH1). Also called: PEPPER SYNDROME; Cutis verticis gyrata, retinitis pigmentosa, and sensorineural deafness. Identifiers: Orphanet 193, MedGen C0265223, MONDO:0008999, OMIM 216550.
Inborn genetic diseases. Identifiers: MedGen C0950123, MeSH D030342.
VPS13B-related disorder. Also called: VPS13B-related condition.

Allele frequency attached by ClinVar (database versions not stated): TOPMed 0.00006.
gnomAD v4.1: 32 of 1,613,978 alleles (0.002%); highest among the groups gnomAD compares: African/African-American, 0.04%; no homozygotes.

Submissions (5):

PreventionGenetics, part of Exact Sciences
Classification: Uncertain significance for VPS13B-related condition. Last evaluated: 2026-04-30. Review status: criteria provided, single submitter. Criteria: ACMG Guidelines, 2015. Collection method: clinical testing. Allele origin: germline.
Comment: The VPS13B c.2048A>G variant is predicted to result in the amino acid substitution p.Gln683Arg. To our knowledge, this variant has not been reported in the literature. This variant is reported in 0.044% of alleles in individuals of African descent in gnomAD. At this time, the clinical significance of this variant is uncertain due to the absence of conclusive functional and genetic evidence.

Labcorp Genetics (formerly Invitae), Labcorp
Classification: Uncertain significance for Cohen syndrome. Last evaluated: 2024-10-07. Review status: criteria provided, single submitter. Criteria: Invitae Variant Classification Sherloc (09022015). Collection method: clinical testing. Allele origin: germline.
Comment: This sequence change replaces glutamine, which is neutral and polar, with arginine, which is basic and polar, at codon 683 of the VPS13B protein (p.Gln683Arg). This variant is present in population databases (rs372585253, gnomAD 0.05%). This variant has not been reported in the literature in individuals affected with VPS13B-related conditions. ClinVar contains an entry for this variant (Variation ID: 588752). Invitae Evidence Modeling of protein sequence and biophysical properties (such as structural, functional, and spatial information, amino acid conservation, physicochemical variation, residue mobility, and thermodynamic stability) indicates that this missense variant is expected to disrupt VPS13B protein function with a positive predictive value of 80%. In summary, the available evidence is currently insufficient to determine the role of this variant in disease. Therefore, it has been classified as a Variant of Uncertain Significance.

Blueprint Genetics
Classification: Uncertain significance. Last evaluated: 2023-02-13. Review status: criteria provided, single submitter. Criteria: ACMG Guidelines, 2015. Collection method: clinical testing. Allele origin: germline.

Ambry Genetics
Classification: Uncertain significance for Inborn genetic diseases. Last evaluated: 2021-10-12. Review status: criteria provided, single submitter. Criteria: Ambry Variant Classification Scheme 2023. Collection method: clinical testing. Allele origin: germline.

Natera, Inc.
Classification: Uncertain significance for Cohen syndrome. Last evaluated: 2019-11-11. Review status: no assertion criteria provided. Collection method: clinical testing. Allele origin: germline. Not counted in ClinVar's aggregate classification.